The following is an entry in ClinVar:

ClinVar aggregate classification (germline): Uncertain significance (1 of 4 stars; one submission).

Submission:

GeneDx
Classification: Uncertain significance. Last evaluated: 2020-03-04. Review status: criteria provided, single submitter. Criteria: GeneDx Variant Classification Process June 2021. Collection method: clinical testing. Allele origin: germline. Affected: yes.
Comment: Not observed at a significant frequency in large population cohorts (Lek et al., 2016); In silico analysis supports a deleterious effect on splicing; Has not been previously published as pathogenic or benign to our knowledge

NM_000426.4(LAMA2):c.6993-7_6993-3del

Gene: LAMA2 (laminin subunit alpha 2; plus strand). Cytogenetic location: 6q22.33.
Variant type: Deletion.
Coding change: c.6993-7_6993-3del on transcript NM_000426.4 (MANE Select); 7 bases into the intron before coding-DNA position 6993 through 3 bases into the intron before coding-DNA position 6993, 5 bases deleted (TTCTC; older notation c.6993-7_6993-3delTTCTC).
Molecular consequence: intron variant.
Genome position (GRCh38, 1-based): chr6:129,464,283-129,464,287, TTCTC deleted; deleting any 5 consecutive bases within chr6:129,464,279-129,464,287 gives the same sequence; the c. name uses the placement nearest the transcript's 3' end. VCF-style (leftmost placement, unchanged base first): chr6-129464278-CTCTCT-C. GRCh37 (hg19) VCF-style: chr6-129785423-CTCTCT-C.
Other names: c.6993-7_6993-3del (NM_001079823.2).
Identifiers: ClinVar variation 1315239 (VCV001315239.2), dbSNP rs1380376723, ClinGen allele CA570205680.
Genomic context (GRCh38, chr6:129,464,278, plus strand): 5'-TTCAGTGATGCATTGAATAATGACAGACTGAATAGATATGATCTGATTCATGTGAAATGT[CTCTCT>C]TCTCAGTCCTCAGGTGGAAGATAGTGAGGGGACTATTCAATTTGATGGAGAAGGTTATGC-3'